The following is an entry in ClinVar:

ClinVar aggregate classification (germline): Uncertain significance (1 of 4 stars; one submission).

gnomAD v4.1: 5 of 1,600,338 alleles (0.00031%); highest among the groups gnomAD compares: African/African-American, 0.0067%; no homozygotes.

Submission:

GeneDx
Classification: Uncertain significance. Last evaluated: 2024-02-05. Review status: criteria provided, single submitter. Criteria: GeneDx Variant Classification Process June 2021. Collection method: clinical testing. Allele origin: germline. Affected: yes.
Comment: In silico analysis supports that this missense variant has a deleterious effect on protein structure/function; Has not been previously published as pathogenic or benign to our knowledge

NM_001374353.1(GLI2):c.634C>G (p.Pro212Ala)

Gene: GLI2 (GLI family zinc finger 2; plus strand). Cytogenetic location: 2q14.2.
Variant type: single nucleotide variant.
Coding change: c.634C>G on transcript NM_001374353.1 (MANE Select); coding-DNA position 634, C replaced by G.
Protein change: p.Pro212Ala; replaces proline 212 with alanine.
Molecular consequence: missense variant.
Genome position (GRCh38, 1-based): chr2:120,955,421, C>G. VCF-style: chr2-120955421-C-G. GRCh37 (hg19) VCF-style: chr2-121712997-C-G.
Other names: c.634C>G, p.Pro212Ala (NM_001371271.1, NM_005270.5); c.259C>G, p.Pro87Ala (NM_001374354.1); short protein forms P212A, P87A.
Identifiers: ClinVar variation 3368807 (VCV003368807.1).